The following is an entry in ClinVar:

NM_006031.6(PCNT):c.4554C>T (p.Arg1518=)

Gene: PCNT (pericentrin; plus strand). Cytogenetic location: 21q22.3.
Variant type: single nucleotide variant.
Coding change: c.4554C>T on transcript NM_006031.6 (MANE Select); coding-DNA position 4554, C replaced by T.
Protein change: p.Arg1518=; no amino-acid change (arginine 1518 retained).
Molecular consequence: synonymous variant.
Genome position (GRCh38, 1-based): chr21:46,398,121, C>T. VCF-style: chr21-46398121-C-T. GRCh37 (hg19) VCF-style: chr21-47818035-C-T.
Other names: c.4554C>T (NM_006031.5); c.4200C>T, p.Arg1400= (NM_001315529.2).
Identifiers: ClinVar variation 995606 (VCV000995606.15), dbSNP rs751932532, ClinGen allele CA10079674.

ClinVar aggregate classification (germline): Likely benign. Review status: criteria provided, multiple submitters, no conflicts (2 of 4 stars). 4 submissions from 4 submitters: Likely benign (3). 1 of the submissions does not count toward it. Last evaluated 2025-10-15.

Conditions:
PCNT-related disorder. Also called: PCNT-related condition.
Microcephalic osteodysplastic primordial dwarfism type II (MOPD2). Also called: MOPD II; OSTEODYSPLASTIC PRIMORDIAL DWARFISM, TYPE II; Microcephalic osteodysplastic primordial dwarfism with tooth abnormalities. Identifiers: Orphanet 2637, MedGen C0432246, MONDO:0008872, OMIM 210720.

Allele frequency attached by ClinVar (database versions not stated): ExAC 0.00003; gnomAD exomes 0.00003; gnomAD 0.00011 and 0.00013; TOPMed 0.00017.
gnomAD v4.1: 51 of 1,605,684 alleles (0.0032%); highest among the groups gnomAD compares: African/African-American, 0.037%; no homozygotes.

Submissions (4):

Labcorp Genetics (formerly Invitae), Labcorp
Classification: Likely benign. Last evaluated: 2025-10-15. Review status: criteria provided, single submitter. Criteria: Invitae Variant Classification Sherloc (09022015). Collection method: clinical testing. Allele origin: germline.

Blueprint Genetics
Classification: Likely benign. Last evaluated: 2024-05-10. Review status: criteria provided, single submitter. Criteria: ACMG Guidelines, 2015. Collection method: clinical testing. Allele origin: germline.

ARUP Laboratories, Molecular Genetics and Genomics, ARUP Laboratories
Classification: Likely benign for Microcephalic osteodysplastic primordial dwarfism type II. Last evaluated: 2020-03-12. Review status: criteria provided, single submitter. Criteria: ARUP Molecular Germline Variant Investigation Process. Collection method: clinical testing. Allele origin: germline.

PreventionGenetics, part of Exact Sciences
Classification: Likely benign for PCNT-related condition. Last evaluated: 2021-07-26. Review status: no assertion criteria provided. Collection method: clinical testing. Allele origin: germline. Not counted in ClinVar's aggregate classification.
Comment: This variant is classified as likely benign based on ACMG/AMP sequence variant interpretation guidelines (Richards et al. 2015 PMID: 25741868, with internal and published modifications).